The following is an entry in ClinVar:

ClinVar aggregate classification (germline): Uncertain significance (1 of 4 stars; one submission).

Conditions:
Mucopolysaccharidosis, MPS-III-A (MPS3A). Also called: Mucopolysaccharidosis, type IIIA; mucopolysaccharidosis type 3A; MPS IIIA (Sanfilippo Syndrome Type A); HEPARAN SULFATE SULFATASE DEFICIENCY; Mucopolysaccharidosis type IIIA (Sanfilippo A); SANFILIPPO SYNDROME A. Identifiers: Orphanet 581, Orphanet 79269, MedGen C0086647, MONDO:0009655, OMIM 252900.

Allele frequency attached by ClinVar (database versions not stated): TOPMed 0.00001; gnomAD 0.00001.
gnomAD v4.1: 10 of 1,613,400 alleles (0.00062%); highest among the groups gnomAD compares: Non-Finnish European, 0.00076%; no homozygotes.

Submission:

Labcorp Genetics (formerly Invitae), Labcorp
Classification: Uncertain significance for Mucopolysaccharidosis, MPS-III-A. Last evaluated: 2022-02-04. Review status: criteria provided, single submitter. Criteria: Invitae Variant Classification Sherloc (09022015). Collection method: clinical testing. Allele origin: germline.
Comment: This sequence change replaces valine, which is neutral and non-polar, with leucine, which is neutral and non-polar, at codon 313 of the SGSH protein (p.Val313Leu). This variant is present in population databases (rs769385447, gnomAD 0.002%). This variant has not been reported in the literature in individuals affected with SGSH-related conditions. Algorithms developed to predict the effect of missense changes on protein structure and function are either unavailable or do not agree on the potential impact of this missense change (SIFT: "Deleterious"; PolyPhen-2: "Possibly Damaging"; Align-GVGD: "Class C0"). In summary, the available evidence is currently insufficient to determine the role of this variant in disease. Therefore, it has been classified as a Variant of Uncertain Significance.

NM_000199.5(SGSH):c.937G>T (p.Val313Leu)

Gene: SGSH (N-sulfoglucosamine sulfohydrolase; minus strand). Cytogenetic location: 17q25.3.
Variant type: single nucleotide variant.
Coding change: c.937G>T on transcript NM_000199.5 (MANE Select); coding-DNA position 937, G replaced by T.
Protein change: p.Val313Leu; replaces valine 313 with leucine.
Molecular consequence: missense variant. On other transcripts: non-coding transcript variant (1).
Genome position (GRCh38, 1-based): chr17:80,212,083, C>A on the plus strand (G>T on the coding strand, the complement: SGSH is on the minus strand). VCF-style: chr17-80212083-C-A. GRCh37 (hg19) VCF-style: chr17-78185882-C-A.
Other names: c.937G>T, p.Val313Leu (NM_001352921.3, NM_001352922.2); short protein forms V313L.
Identifiers: ClinVar variation 1358052 (VCV001358052.5), dbSNP rs769385447, ClinGen allele CA8817745.
Genomic context (GRCh38, chr17:80,212,083, plus strand): 5'-CCAGATCCACTCCCACACCTTTCCTGACGGAGACAGACAAAGGCATACCTAGGAGGCTCA[C>A]GTAGGCCTCGCTGACTTGGCCCCAGCGTTTTGGGTGCTCCGGGGATGACACCAGTAAGGG-3'
Protein context (NP_000190.1, residues 303-323): KRWGQVSEAY[Val313Leu]SLLDLTPTIL